The following is an entry in ClinVar:

NM_002519.3(NPAT):c.908G>A (p.Ser303Asn)

Gene: NPAT (nuclear protein, coactivator of histone transcription; minus strand). Cytogenetic location: 11q22.3.
Variant type: single nucleotide variant.
Coding change: c.908G>A on transcript NM_002519.3 (MANE Select); coding-DNA position 908, G replaced by A.
Protein change: p.Ser303Asn; replaces serine 303 with asparagine.
Molecular consequence: missense variant.
Genome position (GRCh38, 1-based): chr11:108,177,089, C>T on the plus strand (G>A on the coding strand, the complement: NPAT is on the minus strand). VCF-style: chr11-108177089-C-T. GRCh37 (hg19) VCF-style: chr11-108047816-C-T.
Other names: c.908G>A, p.Ser303Asn (NM_001321307.1); short protein forms S303N.
Identifiers: ClinVar variation 1765741 (VCV001765741.2), dbSNP rs772943629, ClinGen allele CA6264125.

ClinVar aggregate classification (germline): Uncertain significance (1 of 4 stars; one submission).

Allele frequency attached by ClinVar (database versions not stated): gnomAD exomes 0.00001; ExAC 0.00003.
gnomAD v4.1: 8 of 1,598,892 alleles (0.0005%); highest among the groups gnomAD compares: East Asian, 0.018%; no homozygotes.

Submission:

Ambry Genetics
Classification: Uncertain significance. Last evaluated: 2022-07-07. Review status: criteria provided, single submitter. Criteria: Ambry Variant Classification Scheme 2023. Collection method: clinical testing. Allele origin: germline.
Comment: The p.S303N variant (also known as c.908G>A), located in coding exon 11 of the NPAT gene, results from a G to A substitution at nucleotide position 908. The serine at codon 303 is replaced by asparagine, an amino acid with highly similar properties. This amino acid position is conserved. In addition, this alteration is predicted to be tolerated by in silico analysis. Since supporting evidence is limited at this time, the clinical significance of this alteration remains unclear.